The following is an entry in ClinVar:

NM_001364905.1(LRBA):c.4876_4877delinsTT (p.Ala1626Leu)

Gene: LRBA (LPS responsive beige-like anchor protein; minus strand). Cytogenetic location: 4q31.3.
Variant type: Indel.
Coding change: c.4876_4877delinsTT on transcript NM_001364905.1 (MANE Select); coding-DNA positions 4876 to 4877, GC replaced by TT.
Protein change: p.Ala1626Leu; replaces alanine 1626 with leucine.
Molecular consequence: missense variant.
Genome position (GRCh38, 1-based): chr4:150,828,474-150,828,475, GC replaced by AA on the plus strand (GC replaced by TT on the coding strand, the reverse complement: LRBA is on the minus strand). VCF-style: chr4-150828474-GC-AA. GRCh37 (hg19) VCF-style: chr4-151749626-GC-AA.
Other names: c.4876_4877delGCinsTT, p.Ala1626Leu (NM_001199282.3, NM_006726.5); c.4876_4877delinsTT, p.Ala1626Leu (NM_001367550.1); c.4876_4877delGCinsTT (NM_006726.4); short protein forms A1626L.
Identifiers: ClinVar variation 580992 (VCV000580992.10), dbSNP rs1560877215, ClinGen allele CA891843361.
Genomic context (GRCh38, chr4:150,828,474, plus strand): 5'-AAAGAAAGAGTAGATAGCACCTCGCTGATTGCATCTGGGCCTGCACTGACACCAGGAGGT[GC>AA]TGTGTGAGGAGTTACTTCCACATGGCTTCCTAAACCAGTGGCTGTTTCTTCCCCAATGCC-3'
Protein context (NP_001351834.1, residues 1616-1636): GSHVEVTPHT[Ala1626Leu]PPGVSAGPDA

ClinVar aggregate classification (germline): Uncertain significance. Review status: criteria provided, multiple submitters, no conflicts (2 of 4 stars). 2 submissions from 2 submitters: Uncertain significance (2). Last evaluated 2022-04-29.

Conditions:
Combined immunodeficiency due to LRBA deficiency. Also called: Common variable immunodeficiency 8, with autoimmunity. Identifiers: Orphanet 445018, MedGen C3553512, MONDO:0013863, OMIM 614700.

Submissions (2):

Labcorp Genetics (formerly Invitae), Labcorp
Classification: Uncertain significance for Combined immunodeficiency due to LRBA deficiency. Last evaluated: 2022-04-29. Review status: criteria provided, single submitter. Criteria: Invitae Variant Classification Sherloc (09022015). Collection method: clinical testing. Allele origin: germline.
Comment: This sequence change replaces alanine, which is neutral and non-polar, with leucine, which is neutral and non-polar, at codon 1626 of the LRBA protein (p.Ala1626Leu). Information on the frequency of this variant in the gnomAD database is not available, as this variant may be reported differently in the database. This variant has not been reported in the literature in individuals affected with LRBA-related conditions. ClinVar contains an entry for this variant (Variation ID: 580992). Algorithms developed to predict the effect of missense changes on protein structure and function are either unavailable or do not agree on the potential impact of this missense change (SIFT: "Not Available"; PolyPhen-2: "Benign"; Align-GVGD: "Not Available"). In summary, the available evidence is currently insufficient to determine the role of this variant in disease. Therefore, it has been classified as a Variant of Uncertain Significance.

Blueprint Genetics
Classification: Uncertain significance. Last evaluated: 2021-08-10. Review status: criteria provided, single submitter. Criteria: ACMG Guidelines, 2015. Collection method: clinical testing. Allele origin: germline.